The following is an entry in ClinVar:

ClinVar aggregate classification (germline): Likely benign (1 of 4 stars; one submission).

Allele frequency attached by ClinVar (database versions not stated): gnomAD 0.00021 and 0.00023; TOPMed 0.00025; gnomAD exomes 0.00029 and 0.00031; 1000 Genomes Project 30x 0.00031; ExAC 0.00039; 1000 Genomes Project 0.00040.
gnomAD v4.1: 447 of 1,495,672 alleles (0.03%); highest among the groups gnomAD compares: Middle Eastern, 0.1%; no homozygotes.

Submission:

GeneDx
Classification: Likely benign. Last evaluated: 2021-11-17. Review status: criteria provided, single submitter. Criteria: GeneDx Variant Classification Process June 2021. Collection method: clinical testing. Allele origin: germline. Affected: yes.
Comment: See Variant Classification Assertion Criteria.

NM_001303052.2(MYT1L):c.505+33C>T

Gene: MYT1L (myelin transcription factor 1 like; minus strand). Cytogenetic location: 2p25.3.
Variant type: single nucleotide variant.
Coding change: c.505+33C>T on transcript NM_001303052.2 (MANE Select); 33 bases into the intron after coding-DNA position 505, C replaced by T.
Molecular consequence: intron variant.
Genome position (GRCh38, 1-based): chr2:1,942,949, G>A on the plus strand (C>T on the coding strand, the complement: MYT1L is on the minus strand). VCF-style: chr2-1942949-G-A. GRCh37 (hg19) VCF-style: chr2-1946721-G-A.
Other names: c.505+33C>T (NM_015025.4, NM_001329844.2, NM_001329847.2 and 6 more transcripts).
Identifiers: ClinVar variation 1686769 (VCV001686769.2), dbSNP rs531951898, ClinGen allele CA1514385.